The following is an entry in ClinVar:

NM_001492.6(GDF1):c.546G>T (p.Leu182=)

Genes: CERS1 (ceramide synthase 1; minus strand), GDF1 (growth differentiation factor 1; minus strand). Cytogenetic location: 19p13.11.
Variant type: single nucleotide variant.
Coding change: c.546G>T on transcript NM_001492.6 (MANE Select); coding-DNA position 546, G replaced by T.
Protein change: p.Leu182=; no amino-acid change (leucine 182 retained).
Molecular consequence: synonymous variant. On other transcripts: 3 prime UTR variant (2).
Genome position (GRCh38, 1-based): chr19:18,869,170, C>A on the plus strand (G>T on the coding strand, the complement: GDF1 is on the minus strand). VCF-style: chr19-18869170-C-A. GRCh37 (hg19) VCF-style: chr19-18979979-C-A.
Other names: c.*1407G>T (NM_001387440.1); c.*815G>T (NM_021267.5); c.546G>T, p.Leu182= (NM_001387438.1).
Identifiers: ClinVar variation 3029611 (VCV003029611.2), dbSNP rs1232378665, ClinGen allele CA506118578.

ClinVar aggregate classification (germline): Likely benign (0 of 4 stars; one submission).

Conditions:
GDF1-related disorder. Also called: GDF1-related condition.

gnomAD v4.1: 1 of 1,147,820 alleles (0.000087%); highest among the groups gnomAD compares: Non-Finnish European, 0.00011%; no homozygotes.

Submission:

PreventionGenetics, part of Exact Sciences
Classification: Likely benign for GDF1-related condition. Last evaluated: 2023-11-30. Review status: no assertion criteria provided. Collection method: clinical testing. Allele origin: germline.
Comment: This variant is classified as likely benign based on ACMG/AMP sequence variant interpretation guidelines (Richards et al. 2015 PMID: 25741868, with internal and published modifications).